The following is an entry in ClinVar:

NM_001134407.3(GRIN2A):c.1456G>A (p.Gly486Ser)

Gene: GRIN2A (glutamate ionotropic receptor NMDA type subunit 2A; minus strand). Cytogenetic location: 16p13.2.
Variant type: single nucleotide variant.
Coding change: c.1456G>A on transcript NM_001134407.3 (MANE Select); coding-DNA position 1456, G replaced by A.
Protein change: p.Gly486Ser; replaces glycine 486 with serine.
Molecular consequence: missense variant.
Genome position (GRCh38, 1-based): chr16:9,840,977, C>T on the plus strand (G>A on the coding strand, the complement: GRIN2A is on the minus strand). VCF-style: chr16-9840977-C-T. GRCh37 (hg19) VCF-style: chr16-9934834-C-T.
Other names: c.1456G>A, p.Gly486Ser (NM_000833.5, NM_001134408.2); short protein forms G486S.
Identifiers: ClinVar variation 3718738 (VCV003718738.2).
Genomic context (GRCh38, chr16:9,840,977, plus strand): 5'-GGATGAAAAGATAACTTACTTCACCGATCATTCCATTCCACACATTGTTAACTTTCTTGC[C>T]ATGCTTCCCATTGGTCACCAGATAGAGGTCGTAAGTAAACTTCACAGTTCTGGAAAGCTT-3'
Protein context (NP_001127879.1, residues 476-496): DLYLVTNGKH[Gly486Ser]KKVNNVWNGM

ClinVar aggregate classification (germline): Uncertain significance (1 of 4 stars; one submission).

Conditions:
Landau-Kleffner syndrome (FESD). Also called: EPILEPSY, FOCAL, WITH SPEECH DISORDER AND WITH OR WITHOUT MENTAL RETARDATION; APHASIA, ACQUIRED, WITH EPILEPSY. Identifiers: Orphanet 1945, Orphanet 725, Orphanet 98818, MedGen C0282512, MONDO:0009509, OMIM 245570.

Submission:

Labcorp Genetics (formerly Invitae), Labcorp
Classification: Uncertain significance for Landau-Kleffner syndrome. Last evaluated: 2024-12-24. Review status: criteria provided, single submitter. Criteria: Invitae Variant Classification Sherloc (09022015). Collection method: clinical testing. Allele origin: germline.
Comment: This sequence change replaces glycine, which is neutral and non-polar, with serine, which is neutral and polar, at codon 486 of the GRIN2A protein (p.Gly486Ser). This variant is not present in population databases (gnomAD no frequency). This variant has not been reported in the literature in individuals affected with GRIN2A-related conditions. Invitae Evidence Modeling of protein sequence and biophysical properties (such as structural, functional, and spatial information, amino acid conservation, physicochemical variation, residue mobility, and thermodynamic stability) indicates that this missense variant is expected to disrupt GRIN2A protein function with a positive predictive value of 95%. In summary, the available evidence is currently insufficient to determine the role of this variant in disease. Therefore, it has been classified as a Variant of Uncertain Significance.